The following is an entry in ClinVar:

NM_001378452.1(ITPR1):c.1926C>T (p.Asn642=)

Gene: ITPR1 (inositol 1,4,5-trisphosphate receptor type 1; plus strand). Cytogenetic location: 3p26.1.
Variant type: single nucleotide variant.
Coding change: c.1926C>T on transcript NM_001378452.1 (MANE Select); coding-DNA position 1926, C replaced by T.
Protein change: p.Asn642=; no amino-acid change (asparagine 642 retained).
Molecular consequence: synonymous variant.
Genome position (GRCh38, 1-based): chr3:4,669,693, C>T. VCF-style: chr3-4669693-C-T. GRCh37 (hg19) VCF-style: chr3-4711377-C-T.
Other names: c.1881C>T, p.Asn627= (NM_001168272.2, NM_002222.7); c.1926C>T, p.Asn642= (NM_001099952.4).
Identifiers: ClinVar variation 345708 (VCV000345708.18), dbSNP rs61757106, ClinGen allele CA2231309.

ClinVar aggregate classification (germline): Benign/Likely benign. Review status: criteria provided, multiple submitters, no conflicts (2 of 4 stars). 6 submissions from 6 submitters: Benign (5); Likely benign (1). Last evaluated 2026-02-01.

Conditions:
Autosomal dominant cerebellar ataxia. Also called: Spinocerebellar Ataxia, Dominant. Identifiers: Orphanet 99, MedGen C4087347, MONDO:0020380.

Allele frequency attached by ClinVar (database versions not stated): ESP Exome Variant Server 0.00008; 1000 Genomes Project 0.00040; 1000 Genomes Project 30x 0.00062; gnomAD 0.00066; TOPMed 0.00102.
gnomAD v4.1: 541 of 1,613,156 alleles (0.034%); highest among the groups gnomAD compares: Admixed American, 0.46%; 3 homozygotes.

Submissions (6):

CeGaT Center for Human Genetics Tuebingen
Classification: Likely benign. Last evaluated: 2026-02-01. Review status: criteria provided, single submitter. Criteria: CeGaT Center For Human Genetics Tuebingen Variant Classification Criteria Version 2. Collection method: clinical testing. Allele origin: germline. Affected: yes. Observed: 1 variant allele.
Comment: ITPR1: BP4

Labcorp Genetics (formerly Invitae), Labcorp
Classification: Benign. Last evaluated: 2026-01-09. Review status: criteria provided, single submitter. Criteria: Invitae Variant Classification Sherloc (09022015). Collection method: clinical testing. Allele origin: germline.

Blueprint Genetics
Classification: Benign. Last evaluated: 2024-10-22. Review status: criteria provided, single submitter. Criteria: ACMG Guidelines, 2015. Collection method: clinical testing. Allele origin: germline.

Illumina Laboratory Services, Illumina
Classification: Benign for Spinocerebellar Ataxia, Dominant. Last evaluated: 2018-01-12. Review status: criteria provided, single submitter. Criteria: ICSL Variant Classification Criteria 13 December 2019. Collection method: clinical testing. Allele origin: germline.
Comment: This variant was observed in the ICSL laboratory as part of a predisposition screen in an ostensibly healthy population. It had not been previously curated by ICSL or reported in the Human Gene Mutation Database (HGMD: prior to June 1st, 2018), and was therefore a candidate for classification through an automated scoring system. Utilizing variant allele frequency, disease prevalence and penetrance estimates, and inheritance mode, an automated score was calculated to assess if this variant is too frequent to cause the disease. Based on the score and internal cut-off values, a variant classified as benign is not then subjected to further curation. The score for this variant resulted in a classification of benign for this disease.

Athena Diagnostics
Classification: Benign. Last evaluated: 2016-11-15. Review status: criteria provided, single submitter. Criteria: Athena Diagnostics Criteria. Collection method: clinical testing. Allele origin: germline.

Breakthrough Genomics
Classification: Benign. Review status: criteria provided, single submitter. Criteria: ACMG Guidelines, 2015. Collection method: not provided. Allele origin: germline. Inheritance: Autosomal dominant inheritance. Affected: yes.